The following is an entry in ClinVar:

NM_003922.4(HERC1):c.6694T>G (p.Cys2232Gly)

Gene: HERC1 (HECT and RLD domain containing E3 ubiquitin protein ligase family member 1; minus strand). Cytogenetic location: 15q22.31.
Variant type: single nucleotide variant.
Coding change: c.6694T>G on transcript NM_003922.4 (MANE Select); coding-DNA position 6694, T replaced by G.
Protein change: p.Cys2232Gly; replaces cysteine 2232 with glycine.
Molecular consequence: missense variant.
Genome position (GRCh38, 1-based): chr15:63,678,221, A>C on the plus strand (T>G on the coding strand, the complement: HERC1 is on the minus strand). VCF-style: chr15-63678221-A-C. GRCh37 (hg19) VCF-style: chr15-63970420-A-C.
Other names: short protein forms C2232G.
Identifiers: ClinVar variation 1425488 (VCV001425488.5), dbSNP rs563606151, ClinGen allele CA7605290.

ClinVar aggregate classification (germline): Uncertain significance (1 of 4 stars; one submission).

Allele frequency attached by ClinVar (database versions not stated): TOPMed 0.00001; gnomAD 0.00003; gnomAD exomes 0.00007 and 0.00017; 1000 Genomes Project 30x 0.00016; 1000 Genomes Project 0.00020; ExAC 0.00021.
gnomAD v4.1: 112 of 1,613,854 alleles (0.0069%); highest among the groups gnomAD compares: South Asian, 0.12%; 2 homozygotes.

Submission:

Labcorp Genetics (formerly Invitae), Labcorp
Classification: Uncertain significance. Last evaluated: 2021-09-01. Review status: criteria provided, single submitter. Criteria: Invitae Variant Classification Sherloc (09022015). Collection method: clinical testing. Allele origin: germline.
Comment: This sequence change replaces cysteine with glycine at codon 2232 of the HERC1 protein (p.Cys2232Gly). The cysteine residue is highly conserved and there is a large physicochemical difference between cysteine and glycine. This variant is present in population databases (rs563606151, ExAC 0.2%). This variant has not been reported in the literature in individuals affected with HERC1-related conditions. Algorithms developed to predict the effect of missense changes on protein structure and function are either unavailable or do not agree on the potential impact of this missense change (SIFT: "Deleterious"; PolyPhen-2: "Benign"; Align-GVGD: "Class C65"). In summary, the available evidence is currently insufficient to determine the role of this variant in disease. Therefore, it has been classified as a Variant of Uncertain Significance.